The following is an entry in ClinVar:

NM_001134363.3(RBM20):c.3172C>A (p.Gln1058Lys)

Gene: RBM20 (RNA binding motif protein 20; plus strand). Cytogenetic location: 10q25.2.
Variant type: single nucleotide variant.
Coding change: c.3172C>A on transcript NM_001134363.3 (MANE Select); coding-DNA position 3172, C replaced by A.
Protein change: p.Gln1058Lys; replaces glutamine 1058 with lysine.
Molecular consequence: missense variant.
Genome position (GRCh38, 1-based): chr10:110,821,791, C>A. VCF-style: chr10-110821791-C-A. GRCh37 (hg19) VCF-style: chr10-112581549-C-A.
Other names: short protein forms Q1058K.
Identifiers: ClinVar variation 2193569 (VCV002193569.4), dbSNP rs1844915683, ClinGen allele CA378381511.
Genomic context (GRCh38, chr10:110,821,791, plus strand): 5'-CATCCAGCCCCTACAGTCCAGCAAATGTCTTCCCCTAAGCCAGCAGAGGAGAGGGCCCGG[C>A]AGCCAAGCCCATTTGTGGATGATTGCAAGACCAGGGGGACCCCCGAAGATGGGGCTTGTG-3'
Protein context (NP_001127835.2, residues 1048-1068): SPKPAEERAR[Gln1058Lys]PSPFVDDCKT

ClinVar aggregate classification (germline): Uncertain significance (1 of 4 stars; one submission).

Conditions:
Dilated cardiomyopathy 1DD (CMD1DD). Identifiers: Orphanet 154, MedGen C2750995, MONDO:0013168, OMIM 613172.

Allele frequency attached by ClinVar (database versions not stated): TOPMed below 0.00001; gnomAD 0.00001; gnomAD exomes 0.00001.
gnomAD v4.1: 19 of 1,551,668 alleles (0.0012%); highest among the groups gnomAD compares: Admixed American, 0.002%; no homozygotes.

Submission:

Labcorp Genetics (formerly Invitae), Labcorp
Classification: Uncertain significance for Dilated cardiomyopathy 1DD. Last evaluated: 2025-09-21. Review status: criteria provided, single submitter. Criteria: Invitae Variant Classification Sherloc (09022015). Collection method: clinical testing. Allele origin: germline.
Comment: This sequence change replaces glutamine, which is neutral and polar, with lysine, which is basic and polar, at codon 1058 of the RBM20 protein (p.Gln1058Lys). This variant is not present in population databases (gnomAD no frequency). This variant has not been reported in the literature in individuals affected with RBM20-related conditions. ClinVar contains an entry for this variant (Variation ID: 2193569). Invitae Evidence Modeling of protein sequence and biophysical properties (such as structural, functional, and spatial information, amino acid conservation, physicochemical variation, residue mobility, and thermodynamic stability) indicates that this missense variant is not expected to disrupt RBM20 protein function with a negative predictive value of 95%. In summary, the available evidence is currently insufficient to determine the role of this variant in disease. Therefore, it has been classified as a Variant of Uncertain Significance.